The following is an entry in ClinVar:

NM_020964.3(EPG5):c.5548T>A (p.Cys1850Ser)

Gene: EPG5 (ectopic P-granules 5 autophagy tethering factor; minus strand). Cytogenetic location: 18q12.3.
Variant type: single nucleotide variant.
Coding change: c.5548T>A on transcript NM_020964.3 (MANE Select); coding-DNA position 5548, T replaced by A.
Protein change: p.Cys1850Ser; replaces cysteine 1850 with serine.
Molecular consequence: missense variant.
Genome position (GRCh38, 1-based): chr18:45,880,194, A>T on the plus strand (T>A on the coding strand, the complement: EPG5 is on the minus strand). VCF-style: chr18-45880194-A-T. GRCh37 (hg19) VCF-style: chr18-43460159-A-T.
Other names: short protein forms C1850S.
Identifiers: ClinVar variation 1045631 (VCV001045631.7), dbSNP rs1599479322, ClinGen allele CA402343891.

ClinVar aggregate classification (germline): Uncertain significance (1 of 4 stars; one submission).

Conditions:
Vici syndrome (VICIS). Identifiers: Orphanet 1493, MedGen C1855772, MONDO:0009452, OMIM 242840.

gnomAD v4.1: 1 of 1,607,542 alleles (0.000062%); no homozygotes.

Submission:

Labcorp Genetics (formerly Invitae), Labcorp
Classification: Uncertain significance for Vici syndrome. Last evaluated: 2022-02-19. Review status: criteria provided, single submitter. Criteria: Invitae Variant Classification Sherloc (09022015). Collection method: clinical testing. Allele origin: germline.
Comment: This sequence change replaces cysteine, which is neutral and slightly polar, with serine, which is neutral and polar, at codon 1850 of the EPG5 protein (p.Cys1850Ser). This variant is not present in population databases (gnomAD no frequency). This variant has not been reported in the literature in individuals affected with EPG5-related conditions. ClinVar contains an entry for this variant (Variation ID: 1045631). Algorithms developed to predict the effect of missense changes on protein structure and function are either unavailable or do not agree on the potential impact of this missense change (SIFT: "Deleterious"; PolyPhen-2: "Probably Damaging"; Align-GVGD: "Class C0"). In summary, the available evidence is currently insufficient to determine the role of this variant in disease. Therefore, it has been classified as a Variant of Uncertain Significance.